The following is an entry in ClinVar:

ClinVar aggregate classification (germline): Uncertain significance. Review status: criteria provided, multiple submitters, no conflicts (2 of 4 stars). 2 submissions from 2 submitters: Uncertain significance (2). Last evaluated 2024-01-02.

Conditions:
Inborn genetic diseases. Identifiers: MedGen C0950123, MeSH D030342.

gnomAD v4.1: 5 of 1,612,052 alleles (0.00031%); highest among the groups gnomAD compares: Non-Finnish European, 0.00042%; no homozygotes.

Submissions (2):

Labcorp Genetics (formerly Invitae), Labcorp
Classification: Uncertain significance. Last evaluated: 2024-01-02. Review status: criteria provided, single submitter. Criteria: Invitae Variant Classification Sherloc (09022015). Collection method: clinical testing. Allele origin: germline.
Comment: This sequence change replaces arginine, which is basic and polar, with serine, which is neutral and polar, at codon 436 of the WNK4 protein (p.Arg436Ser). The frequency data for this variant in the population databases is considered unreliable, as metrics indicate poor data quality at this position in the gnomAD database. This variant has not been reported in the literature in individuals affected with WNK4-related conditions. ClinVar contains an entry for this variant (Variation ID: 1969610). Advanced modeling of protein sequence and biophysical properties (such as structural, functional, and spatial information, amino acid conservation, physicochemical variation, residue mobility, and thermodynamic stability) performed at Invitae indicates that this missense variant is not expected to disrupt WNK4 protein function with a negative predictive value of 95%. In summary, the available evidence is currently insufficient to determine the role of this variant in disease. Therefore, it has been classified as a Variant of Uncertain Significance.

Ambry Genetics
Classification: Uncertain significance for Inborn genetic diseases. Last evaluated: 2021-07-20. Review status: criteria provided, single submitter. Criteria: Ambry Variant Classification Scheme 2023. Collection method: clinical testing. Allele origin: germline.

NM_032387.5(WNK4):c.1306C>A (p.Arg436Ser)

Gene: WNK4 (WNK lysine deficient protein kinase 4; plus strand). Cytogenetic location: 17q21.2.
Variant type: single nucleotide variant.
Coding change: c.1306C>A on transcript NM_032387.5 (MANE Select); coding-DNA position 1306, C replaced by A.
Protein change: p.Arg436Ser; replaces arginine 436 with serine.
Molecular consequence: missense variant.
Genome position (GRCh38, 1-based): chr17:42,785,312, C>A. VCF-style: chr17-42785312-C-A. GRCh37 (hg19) VCF-style: chr17-40937330-C-A.
Other names: c.298C>A, p.Arg100Ser (NM_001321299.2); short protein forms R436S, R100S.
Identifiers: ClinVar variation 1969610 (VCV001969610.6), dbSNP rs1364307756, ClinGen allele CA399654348.